The following is an entry in ClinVar:

NM_004530.6(MMP2):c.1471C>T (p.Arg491Trp)

Gene: MMP2 (matrix metallopeptidase 2; plus strand). Cytogenetic location: 16q12.2.
Variant type: single nucleotide variant.
Coding change: c.1471C>T on transcript NM_004530.6 (MANE Select); coding-DNA position 1471, C replaced by T.
Protein change: p.Arg491Trp; replaces arginine 491 with tryptophan.
Molecular consequence: missense variant.
Genome position (GRCh38, 1-based): chr16:55,493,292, C>T. VCF-style: chr16-55493292-C-T. GRCh37 (hg19) VCF-style: chr16-55527204-C-T.
Other names: c.1321C>T, p.Arg441Trp (NM_001127891.3); c.1243C>T, p.Arg415Trp (NM_001302508.1, NM_001302509.2, NM_001302510.2); c.1471C>T (NM_004530.4); short protein forms R491W, R415W, R441W.
Identifiers: ClinVar variation 1980571 (VCV001980571.6), dbSNP rs771097911, ClinGen allele CA8060442.
Genomic context (GRCh38, chr16:55,493,292, plus strand): 5'-CAGGACATTGTATTTGATGGCATCGCTCAGATCCGTGGTGAGATCTTCTTCTTCAAGGAC[C>T]GGTGAGTGCAGGAGCTTGCTTCTTGTCCTCCTTGTCTCCTGTCCTCTGCTCTTATACCAT-3'
Protein context (NP_004521.1, residues 481-501): IRGEIFFFKD[Arg491Trp]FIWRTVTPRD

ClinVar aggregate classification (germline): Uncertain significance. Review status: criteria provided, multiple submitters, no conflicts (2 of 4 stars). 2 submissions from 2 submitters: Uncertain significance (2). Last evaluated 2024-01-24.

Conditions:
Inborn genetic diseases. Identifiers: MedGen C0950123, MeSH D030342.

Allele frequency attached by ClinVar (database versions not stated): ExAC 0.00001; gnomAD 0.00001; gnomAD exomes 0.00001; TOPMed 0.00001.
gnomAD v4.1: 12 of 1,614,034 alleles (0.00074%); highest among the groups gnomAD compares: South Asian, 0.0044%; no homozygotes.

Submissions (2):

Labcorp Genetics (formerly Invitae), Labcorp
Classification: Uncertain significance. Last evaluated: 2024-01-24. Review status: criteria provided, single submitter. Criteria: Invitae Variant Classification Sherloc (09022015). Collection method: clinical testing. Allele origin: germline.
Comment: This sequence change replaces arginine, which is basic and polar, with tryptophan, which is neutral and slightly polar, at codon 491 of the MMP2 protein (p.Arg491Trp). This variant is present in population databases (rs771097911, gnomAD 0.003%). This variant has not been reported in the literature in individuals affected with MMP2-related conditions. ClinVar contains an entry for this variant (Variation ID: 1980571). An algorithm developed to predict the effect of missense changes on protein structure and function (PolyPhen-2) suggests that this variant is likely to be disruptive. In summary, the available evidence is currently insufficient to determine the role of this variant in disease. Therefore, it has been classified as a Variant of Uncertain Significance.

Ambry Genetics
Classification: Uncertain significance for Inborn genetic diseases. Last evaluated: 2023-02-27. Review status: criteria provided, single submitter. Criteria: Ambry Variant Classification Scheme 2023. Collection method: clinical testing. Allele origin: germline.